The following is an entry in ClinVar:

ClinVar aggregate classification (germline): Uncertain significance. Review status: criteria provided, multiple submitters, no conflicts (2 of 4 stars). 2 submissions from 2 submitters: Uncertain significance (2). Last evaluated 2023-04-29.

Conditions:
Inborn genetic diseases. Identifiers: MedGen C0950123, MeSH D030342.

Allele frequency attached by ClinVar (database versions not stated): gnomAD exomes below 0.00001 and 0.00001; ExAC 0.00001; TOPMed 0.00002; gnomAD 0.00003 and 0.00004; ESP Exome Variant Server 0.00008.
gnomAD v4.1: 16 of 1,613,200 alleles (0.00099%); highest among the groups gnomAD compares: Admixed American, 0.0017%; no homozygotes.

Submissions (2):

Labcorp Genetics (formerly Invitae), Labcorp
Classification: Uncertain significance. Last evaluated: 2023-04-29. Review status: criteria provided, single submitter. Criteria: Invitae Variant Classification Sherloc (09022015). Collection method: clinical testing. Allele origin: germline.
Comment: In summary, the available evidence is currently insufficient to determine the role of this variant in disease. Therefore, it has been classified as a Variant of Uncertain Significance. Advanced modeling of protein sequence and biophysical properties (such as structural, functional, and spatial information, amino acid conservation, physicochemical variation, residue mobility, and thermodynamic stability) performed at Invitae indicates that this missense variant is not expected to disrupt KMT2A protein function. ClinVar contains an entry for this variant (Variation ID: 1524211). This variant has not been reported in the literature in individuals affected with KMT2A-related conditions. This sequence change replaces aspartic acid, which is acidic and polar, with asparagine, which is neutral and polar, at codon 2383 of the KMT2A protein (p.Asp2383Asn). This variant is present in population databases (rs376579850, gnomAD 0.002%).

Ambry Genetics
Classification: Uncertain significance for Inborn genetic diseases. Last evaluated: 2021-12-16. Review status: criteria provided, single submitter. Criteria: Ambry Variant Classification Scheme 2023. Collection method: clinical testing. Allele origin: germline.

NM_001197104.2(KMT2A):c.7147G>A (p.Asp2383Asn)

Gene: KMT2A (lysine methyltransferase 2A; plus strand). Cytogenetic location: 11q23.3.
Variant type: single nucleotide variant.
Coding change: c.7147G>A on transcript NM_001197104.2 (MANE Select); coding-DNA position 7147, G replaced by A.
Protein change: p.Asp2383Asn; replaces aspartic acid 2383 with asparagine.
Molecular consequence: missense variant.
Genome position (GRCh38, 1-based): chr11:118,503,039, G>A. VCF-style: chr11-118503039-G-A. GRCh37 (hg19) VCF-style: chr11-118373754-G-A.
Other names: c.7147G>A (NM_001197104.1); c.7138G>A, p.Asp2380Asn (NM_005933.4); short protein forms D2383N, D2380N.
Identifiers: ClinVar variation 1524211 (VCV001524211.7), dbSNP rs376579850, ClinGen allele CA6304367.
Genomic context (GRCh38, chr11:118,503,039, plus strand): 5'-TCTTCTAAAGAGGCCCTCTCCTTCCCACACCTCCATTTGAGAGGGCAAAGGAATGATCGA[G>A]ACCAACACACAGATTCTACCCAATCAGCAAACTCCTCTCCAGATGAAGATACTGAAGTCA-3'
Protein context (NP_001184033.1, residues 2373-2393): LHLRGQRNDR[Asp2383Asn]QHTDSTQSAN